The following is an entry in ClinVar:

ClinVar aggregate classification (germline): Pathogenic (1 of 4 stars; one submission).

Conditions:
Duchenne muscular dystrophy (DMD). Also called: MUSCULAR DYSTROPHY, PSEUDOHYPERTROPHIC PROGRESSIVE, DUCHENNE TYPE; Duchenne Muscular Dystrophy (DMD). Identifiers: Orphanet 98896, MedGen C0013264, MONDO:0010679, OMIM 310200.

Submission:

3billion
Classification: Pathogenic for Duchenne muscular dystrophy. Last evaluated: 2024-09-13. Review status: criteria provided, single submitter. Criteria: ACMG Guidelines, 2015. Collection method: clinical testing. Allele origin: germline. Affected: yes.
Comment: The variant is not observed in the gnomAD v4.0.0 dataset. Predicted Consequence/Location: Canonical splice site: predicted to alter splicing and result in a loss or disruption of normal protein function. Multiple pathogenic loss-of-function variants are reported downstream of the variant. In silico tools predict the variant to alter splicing and produce an abnormal transcript [SpliceAI: 0.99 (spliceogenicity >=0.2, non-spliceogenicity <0.1)]. The variant has been reported to be associated with DMD related disorder (PMID: 23756440). Therefore, this variant is classified as Pathogenic according to the recommendation of ACMG/AMP guideline.

Literature cited by the submitters: PubMed 23756440.

NM_004006.3(DMD):c.2293-1G>A

Gene: DMD (dystrophin; minus strand). Cytogenetic location: Xp21.1.
Variant type: single nucleotide variant.
Coding change: c.2293-1G>A on transcript NM_004006.3 (MANE Select); the canonical splice acceptor site of the intron before coding-DNA position 2293, G replaced by A.
Molecular consequence: splice acceptor variant.
Genome position (GRCh38, 1-based): chrX:32,501,843, C>T on the plus strand (G>A on the coding strand, the complement: DMD is on the minus strand). VCF-style: chrX-32501843-C-T. GRCh37 (hg19) VCF-style: chrX-32519960-C-T.
Other names: c.2269-1G>A (NM_000109.4); c.2281-1G>A (NM_004009.3); c.1924-1G>A (NM_004010.3).
Identifiers: ClinVar variation 4294028 (VCV004294028.1), dbSNP rs2148691771.